The following is an entry in ClinVar:

NM_006408.4(AGR2):c.104del (p.Asp35fs)

Gene: AGR2 (anterior gradient 2, protein disulphide isomerase family member; minus strand). Cytogenetic location: 7p21.1.
Variant type: Deletion.
Coding change: c.104del on transcript NM_006408.4 (MANE Select); coding-DNA position 104, one base deleted (A; older notation c.104delA).
Protein change: p.Asp35fs; shifts the reading frame from aspartic acid 35.
Molecular consequence: frameshift variant.
Genome position (GRCh38, 1-based): chr7:16,801,693, T deleted on the plus strand (A on the coding strand, the reverse complement: AGR2 is on the minus strand). VCF-style (leftmost placement, unchanged base first): chr7-16801692-GT-G. GRCh37 (hg19) VCF-style: chr7-16841316-GT-G.
Other names: short protein forms D35fs.
Identifiers: ClinVar variation 3384114 (VCV003384114.1).

ClinVar aggregate classification (germline): Likely pathogenic (1 of 4 stars; one submission).

Conditions:
Respiratory infections, recurrent, and failure to thrive with or without diarrhea (RIFTD). Identifiers: MedGen C5774306, MONDO:0859370, OMIM 620233.

Submission:

Dubai Health Genomic Medicine Center, Dubai Health
Classification: Likely pathogenic for Respiratory infections, recurrent, and failure to thrive with or without diarrhea. Last evaluated: 2024-10-04. Review status: criteria provided, single submitter. Criteria: ACMG Guidelines, 2015. Collection method: research. Allele origin: germline. Affected: yes.
Comment: PVS1,PM2